The following is an entry in ClinVar:

NM_016169.4(SUFU):c.928G>C (p.Glu310Gln)

Gene: SUFU (SUFU negative regulator of hedgehog signaling; plus strand). Cytogenetic location: 10q24.32.
Variant type: single nucleotide variant.
Coding change: c.928G>C on transcript NM_016169.4 (MANE Select); coding-DNA position 928, G replaced by C.
Protein change: p.Glu310Gln; replaces glutamic acid 310 with glutamine.
Molecular consequence: missense variant.
Genome position (GRCh38, 1-based): chr10:102,599,450, G>C. VCF-style: chr10-102599450-G-C. GRCh37 (hg19) VCF-style: chr10-104359207-G-C.
Other names: c.928G>C, p.Glu310Gln (NM_001178133.2); short protein forms E310Q.
Identifiers: ClinVar variation 843000 (VCV000843000.11), dbSNP rs376797758, ClinGen allele CA212269207.
Genomic context (GRCh38, chr10:102,599,450, plus strand): 5'-GGAGCCCACTGGGCCACTGGGCAACTTAGTGGTGTCGTTGCAGACACAGAGCAGATCCGG[G>C]AGACCCTGAGGAGAGGACTCGAGATCAACAGCAAACCTGTCCTTCCACCAATCAACCCTC-3'
Protein context (NP_057253.2, residues 300-320): LSGKDTEQIR[Glu310Gln]TLRRGLEINS

ClinVar aggregate classification (germline): Uncertain significance. Review status: criteria provided, multiple submitters, no conflicts (2 of 4 stars). 2 submissions from 2 submitters: Uncertain significance (2). Last evaluated 2025-05-11.

Conditions:
Medulloblastoma (MDB). Also called: MEDULLOBLASTOMA PREDISPOSITION SYNDROME; Medulloblastoma, somatic. Identifiers: Orphanet 616, MedGen C0025149, MeSH D008527, MONDO:0007959, OMIM 155255, HP:0002885.
Gorlin syndrome. Also called: Nevoid Basal Cell Carcinoma Syndrome; Basal cell nevus syndrome. Identifiers: Orphanet 377, MedGen C0004779, MONDO:0007187.
Hereditary cancer-predisposing syndrome. Also called: Neoplastic Syndromes, Hereditary; Hereditary neoplastic syndrome; Tumor predisposition; Hereditary Cancer Syndrome. Identifiers: Orphanet 140162, MedGen C0027672, MeSH D009386, MONDO:0015356.

Submissions (2):

Ambry Genetics
Classification: Uncertain significance for Hereditary cancer-predisposing syndrome. Last evaluated: 2025-05-11. Review status: criteria provided, single submitter. Criteria: Ambry Variant Classification Scheme 2023. Collection method: clinical testing. Allele origin: germline.
Comment: The p.E310Q variant (also known as c.928G>C), located in coding exon 8 of the SUFU gene, results from a G to C substitution at nucleotide position 928. The glutamic acid at codon 310 is replaced by glutamine, an amino acid with highly similar properties. This amino acid position is conserved. In addition, the in silico prediction for this alteration is inconclusive. Based on the available evidence, the clinical significance of this variant remains unclear.

Labcorp Genetics (formerly Invitae), Labcorp
Classification: Uncertain significance for Gorlin syndrome; Medulloblastoma. Last evaluated: 2019-12-19. Review status: criteria provided, single submitter. Criteria: Invitae Variant Classification Sherloc (09022015). Collection method: clinical testing. Allele origin: germline.
Comment: Algorithms developed to predict the effect of missense changes on protein structure and function (SIFT, PolyPhen-2, Align-GVGD) all suggest that this variant is likely to be tolerated, but these predictions have not been confirmed by published functional studies and their clinical significance is uncertain. In summary, the available evidence is currently insufficient to determine the role of this variant in disease. Therefore, it has been classified as a Variant of Uncertain Significance. This variant has not been reported in the literature in individuals with SUFU-related conditions. This sequence change replaces glutamic acid with glutamine at codon 310 of the SUFU protein (p.Glu310Gln). The glutamic acid residue is highly conserved and there is a small physicochemical difference between glutamic acid and glutamine. This variant is not present in population databases (ExAC no frequency).